The following is an entry in ClinVar:

NM_000179.3(MSH6):c.3734T>C (p.Phe1245Ser)

Gene: MSH6 (mutS homolog 6; plus strand). Cytogenetic location: 2p16.3.
Variant type: single nucleotide variant.
Coding change: c.3734T>C on transcript NM_000179.3 (MANE Select); coding-DNA position 3734, T replaced by C.
Protein change: p.Phe1245Ser; replaces phenylalanine 1245 with serine.
Molecular consequence: missense variant. On other transcripts: non-coding transcript variant (5).
Genome position (GRCh38, 1-based): chr2:47,806,291, T>C. VCF-style: chr2-47806291-T-C. GRCh37 (hg19) VCF-style: chr2-48033430-T-C.
Other names: c.3734T>C, p.Phe1245Ser (NM_001406800.1, NM_001406808.1, NM_001406809.1 and 1 more transcripts); c.3437T>C, p.Phe1146Ser (NM_001406801.1, NM_001406805.1, NM_001406818.1 and 10 more transcripts); c.3830T>C, p.Phe1277Ser (NM_001406802.1, NM_001406795.1); c.2870T>C, p.Phe957Ser (NM_001406803.1); c.3656T>C, p.Phe1219Ser (NM_001406804.1); c.3209T>C, p.Phe1070Ser (NM_001406806.1, NM_001406807.1, NM_001406799.1); c.2828T>C, p.Phe943Ser (NM_001406811.1, NM_001406812.1, NM_001406814.1 and 6 more transcripts); c.3740T>C, p.Phe1247Ser (NM_001406813.1); and 7 more; short protein forms F1070S, F1115S, F1146S, F1187S, F1189S, F1219S, F1245S, F1247S.
Identifiers: ClinVar variation 2575380 (VCV002575380.3), dbSNP rs2104542733, ClinGen allele CA346761042.

ClinVar aggregate classification (germline): Conflicting classifications of pathogenicity. Review status: criteria provided, conflicting classifications (1 of 4 stars). 2 submissions from 2 submitters: Likely pathogenic (1); Uncertain significance (1). Last evaluated 2026-08-19.

Conditions:
Hereditary nonpolyposis colorectal neoplasms. Identifiers: MedGen C0009405, MeSH D003123.

Submissions (2):

Department of Clinical Genetics, Copenhagen University Hospital, Rigshospitalet
Classification: Likely pathogenic for Hereditary nonpolyposis colorectal neoplasms. Last evaluated: 2026-08-19. Review status: criteria provided, single submitter. Criteria: ACMG Guidelines, 2015. Collection method: clinical testing. Allele origin: germline.
Comment: The following ACMG criteria was used: PM2_SUP (not reported in gnomAD v.4.1). PP3_MOD (HCI prior probability for pathogenicity 0.86). PP4_Strong (loss of MSH6 expression in at least 3 individuals with endometrial or colorectal cancer from 2 families (in house data).

Center for Genomic Medicine, Rigshospitalet, Copenhagen University Hospital
Classification: Uncertain significance. Last evaluated: 2025-03-04. Review status: criteria provided, single submitter. Criteria: ACMG Guidelines, 2015. Collection method: clinical testing. Allele origin: germline.